The following is an entry in ClinVar:

Conditions:
Arteriohepatic dysplasia. Also called: Alagille Syndrome. Identifiers: Orphanet 52, MedGen C0085280, MeSH D016738, MONDO:0007318.

Submission:

Gilbert/Spinner Lab, Children's Hospital of Philadelphia
No classification provided (evidence only). Condition: Alagille syndrome. Review status: no classification provided. Collection method: research. Allele origin: not applicable. Functional consequence: functionally_abnormal.
ClinVar note: "not provided" was previously submitted as the classification for the variant. However, the classification appeared to be based only on an observation of functional data so it was converted to no classification on 2025-07-30.

NM_000214.3(JAG1):c.893A>C (p.Asn298Thr)

Gene: JAG1 (jagged canonical Notch ligand 1; minus strand). Cytogenetic location: 20p12.2.
Variant type: single nucleotide variant.
Coding change: c.893A>C on transcript NM_000214.3 (MANE Select); coding-DNA position 893, A replaced by C.
Protein change: p.Asn298Thr; replaces asparagine 298 with threonine.
Molecular consequence: missense variant.
Genome position (GRCh38, 1-based): chr20:10,652,244, T>G on the plus strand (A>C on the coding strand, the complement: JAG1 is on the minus strand). VCF-style: chr20-10652244-T-G. GRCh37 (hg19) VCF-style: chr20-10632892-T-G.
Other names: short protein forms N298T.
Identifiers: ClinVar variation 3573400 (VCV003573400.2).
Genomic context (GRCh38, chr20:10,652,244, plus strand): 5'-TCAGGGCCTGTGTTGCTACAAGTTCCCCCGTTGAGACACGGCTGATGAGTCCCACAGTAA[T>G]TGAGATCTGCCAAAAAGATCCTGGAGTCACTAAGAGACGCCTGTGAAGATGGCGAACCCA-3'
Protein context (NP_000205.1, residues 288-308): WGGQLCDKDL[Asn298Thr]YCGTHQPCLN